The following is an entry in ClinVar:

ClinVar aggregate classification (germline): Pathogenic (1 of 4 stars; one submission).

Conditions:
Cohen syndrome (COH1). Also called: PEPPER SYNDROME; Cutis verticis gyrata, retinitis pigmentosa, and sensorineural deafness. Identifiers: Orphanet 193, MedGen C0265223, MONDO:0008999, OMIM 216550.

Submission:

Labcorp Genetics (formerly Invitae), Labcorp
Classification: Pathogenic for Cohen syndrome. Last evaluated: 2023-01-10. Review status: criteria provided, single submitter. Criteria: Invitae Variant Classification Sherloc (09022015). Collection method: clinical testing. Allele origin: germline.
Comment: For these reasons, this variant has been classified as Pathogenic. This variant has not been reported in the literature in individuals affected with VPS13B-related conditions. This variant is not present in population databases (gnomAD no frequency). This sequence change creates a premature translational stop signal (p.Gln1497Lysfs*38) in the VPS13B gene. It is expected to result in an absent or disrupted protein product. Loss-of-function variants in VPS13B are known to be pathogenic (PMID: 15141358, 16648375, 20461111).

Literature cited by the submitters: PubMed 15141358; PubMed 16648375; PubMed 20461111.

NM_152564.5(VPS13B):c.4413del (p.Gln1472fs)

Gene: VPS13B (vacuolar protein sorting 13 homolog B; plus strand). Cytogenetic location: 8q22.2.
Variant type: Deletion.
Coding change: c.4413del on transcript NM_152564.5 (MANE Select); coding-DNA position 4413, one base deleted (A; older notation c.4413delA).
Protein change: p.Gln1472fs; shifts the reading frame from glutamine 1472.
Molecular consequence: frameshift variant.
Genome position (GRCh38, 1-based): chr8:99,511,292, A deleted. VCF-style (leftmost placement, unchanged base first): chr8-99511291-CA-C. GRCh37 (hg19) VCF-style: chr8-100523519-CA-C.
Other names: c.4488del, p.Gln1497fs (NM_017890.5); short protein forms Q1472fs, Q1497fs.
Identifiers: ClinVar variation 2827518 (VCV002827518.3), dbSNP rs2490521936, ClinGen allele CA2739268923.